The following is an entry in ClinVar:

NM_000135.4(FANCA):c.2953G>C (p.Val985Leu)

Gene: FANCA (FA complementation group A; minus strand). Cytogenetic location: 16q24.3.
Variant type: single nucleotide variant.
Coding change: c.2953G>C on transcript NM_000135.4 (MANE Select); coding-DNA position 2953, G replaced by C.
Protein change: p.Val985Leu; replaces valine 985 with leucine.
Molecular consequence: missense variant.
Genome position (GRCh38, 1-based): chr16:89,758,605, C>G on the plus strand (G>C on the coding strand, the complement: FANCA is on the minus strand). VCF-style: chr16-89758605-C-G. GRCh37 (hg19) VCF-style: chr16-89825013-C-G.
Other names: c.2953G>C, p.Val985Leu (NM_001286167.3); short protein forms V985L.
Identifiers: ClinVar variation 4619279 (VCV004619279.1).

ClinVar aggregate classification (germline): Uncertain significance (1 of 4 stars; one submission).

Conditions:
Inborn genetic diseases. Identifiers: MedGen C0950123, MeSH D030342.

gnomAD v4.1: 5 of 1,614,022 alleles (0.00031%); highest among the groups gnomAD compares: South Asian, 0.0055%; no homozygotes.

Submission:

Ambry Genetics
Classification: Uncertain significance for Inborn genetic diseases. Last evaluated: 2025-11-16. Review status: criteria provided, single submitter. Criteria: Ambry Variant Classification Scheme 2023. Collection method: clinical testing. Allele origin: germline.
Comment: The p.V985L variant (also known as c.2953G>C), located in coding exon 30 of the FANCA gene, results from a G to C substitution at nucleotide position 2953. The valine at codon 985 is replaced by leucine, an amino acid with highly similar properties. This amino acid position is conserved. In addition, this alteration is predicted to be tolerated by in silico analysis. Based on the available evidence, the clinical significance of this variant remains unclear.